The following is an entry in ClinVar:

NM_004132.5(HABP2):c.*1115C>A

Genes: HABP2 (hyaluronan binding protein 2; plus strand), NRAP (nebulin related anchoring protein; minus strand). Cytogenetic location: 10q25.3.
Variant type: single nucleotide variant.
Coding change: c.*1115C>A on transcript NM_004132.5 (MANE Select); 1115 bases downstream of the stop codon, C replaced by A.
Molecular consequence: 3 prime UTR variant. On other transcripts: intron variant (4).
Genome position (GRCh38, 1-based): chr10:113,589,484, C>A. VCF-style: chr10-113589484-C-A. GRCh37 (hg19) VCF-style: chr10-115349243-C-A.
Other names: c.*1115C>A (NM_001177660.3); c.4983+182G>T (NM_006175.5); c.4980+182G>T (NM_001322945.2); c.5088+182G>T (NM_198060.4, NM_001261463.2).
Identifiers: ClinVar variation 298944 (VCV000298944.6), dbSNP rs117698899, ClinGen allele CA10635030.

ClinVar aggregate classification (germline): Likely benign. Review status: criteria provided, multiple submitters, no conflicts (2 of 4 stars). 2 submissions from 2 submitters: Likely benign (2). Last evaluated 2018-01-13.

Conditions:
Factor VII-activating protease marburg I. Identifiers: MedGen CN068943.

Allele frequency attached by ClinVar (database versions not stated): 1000 Genomes Project 30x 0.00703; 1000 Genomes Project 0.00759; gnomAD 0.00905 and 0.00962; TOPMed 0.00968; gnomAD exomes 0.01158.
gnomAD v4.1: 7,584 of 680,604 alleles (1.1%); highest among the groups gnomAD compares: Middle Eastern, 2.1%; 55 homozygotes.

Submissions (2):

Illumina Laboratory Services, Illumina
Classification: Likely benign for Factor VII Marburg I Variant Thrombophilia. Last evaluated: 2018-01-13. Review status: criteria provided, single submitter. Criteria: ICSL Variant Classification Criteria 13 December 2019. Collection method: clinical testing. Allele origin: germline.
Comment: This variant was observed in the ICSL laboratory as part of a predisposition screen in an ostensibly healthy population. It had not been previously curated by ICSL or reported in the Human Gene Mutation Database (HGMD: prior to June 1st, 2018), and was therefore a candidate for classification through an automated scoring system. Utilizing variant allele frequency, disease prevalence and penetrance estimates, and inheritance mode, an automated score was calculated to assess if this variant is too frequent to cause the disease. Based on the score and internal cut-off values, a variant classified as likely benign is not then subjected to further curation. The score for this variant resulted in a classification of likely benign for this disease.

Breakthrough Genomics
Classification: Likely benign. Review status: criteria provided, single submitter. Criteria: ACMG Guidelines, 2015. Collection method: not provided. Allele origin: germline. Inheritance: Autosomal dominant inheritance. Affected: yes.